The following is an entry in ClinVar:

NM_000817.3(GAD1):c.61A>G (p.Thr21Ala)

Gene: GAD1 (glutamate decarboxylase 1; plus strand). Cytogenetic location: 2q31.1.
Variant type: single nucleotide variant.
Coding change: c.61A>G on transcript NM_000817.3 (MANE Select); coding-DNA position 61, A replaced by G.
Protein change: p.Thr21Ala; replaces threonine 21 with alanine.
Molecular consequence: missense variant.
Genome position (GRCh38, 1-based): chr2:170,818,652, A>G. VCF-style: chr2-170818652-A-G. GRCh37 (hg19) VCF-style: chr2-171675162-A-G.
Other names: c.61A>G, p.Thr21Ala (NM_013445.4); short protein forms T21A.
Identifiers: ClinVar variation 2123370 (VCV002123370.1), dbSNP rs2468297202, ClinGen allele CA349269194.

ClinVar aggregate classification (germline): Uncertain significance (1 of 4 stars; one submission).

Conditions:
Neurodevelopmental disorder with progressive spasticity and brain white matter abnormalities. Also called: CEREBRAL PALSY, SPASTIC QUADRIPLEGIC, 1. Identifiers: Orphanet 210141, Orphanet 641353, MedGen C5436628, MONDO:0033613, OMIM 619026.

Submission:

Labcorp Genetics (formerly Invitae), Labcorp
Classification: Uncertain significance for Neurodevelopmental disorder with progressive spasticity and brain white matter abnormalities. Last evaluated: 2022-06-14. Review status: criteria provided, single submitter. Criteria: Invitae Variant Classification Sherloc (09022015). Collection method: clinical testing. Allele origin: germline.
Comment: This sequence change replaces threonine, which is neutral and polar, with alanine, which is neutral and non-polar, at codon 21 of the GAD1 protein (p.Thr21Ala). This variant is not present in population databases (gnomAD no frequency). This variant has not been reported in the literature in individuals affected with GAD1-related conditions. Algorithms developed to predict the effect of missense changes on protein structure and function (SIFT, PolyPhen-2, Align-GVGD) all suggest that this variant is likely to be tolerated. In summary, the available evidence is currently insufficient to determine the role of this variant in disease. Therefore, it has been classified as a Variant of Uncertain Significance.